The following is an entry in ClinVar:

ClinVar aggregate classification (germline): Uncertain significance (1 of 4 stars; one submission).

Allele frequency attached by ClinVar (database versions not stated): gnomAD 0.00001.

Submission:

GeneDx
Classification: Uncertain significance. Last evaluated: 2022-08-12. Review status: criteria provided, single submitter. Criteria: GeneDx Variant Classification Process June 2021. Collection method: clinical testing. Allele origin: germline. Affected: yes.
Comment: Not observed at significant frequency in large population cohorts (gnomAD); In silico analysis supports that this missense variant does not alter protein structure/function; Has not been previously published as pathogenic or benign to our knowledge

NM_003718.5(CDK13):c.331G>C (p.Ala111Pro)

Genes: CDK13 (cyclin dependent kinase 13; plus strand), LOC129998292 (ATAC-STARR-seq lymphoblastoid silent region 18115; plus strand). Cytogenetic location: 7p14.1.
Variant type: single nucleotide variant.
Coding change: c.331G>C on transcript NM_003718.5 (MANE Select); coding-DNA position 331, G replaced by C.
Protein change: p.Ala111Pro; replaces alanine 111 with proline.
Molecular consequence: missense variant.
Genome position (GRCh38, 1-based): chr7:39,950,972, G>C. VCF-style: chr7-39950972-G-C. GRCh37 (hg19) VCF-style: chr7-39990571-G-C.
Other names: c.331G>C, p.Ala111Pro (NM_031267.4); short protein forms A111P.
Identifiers: ClinVar variation 2429585 (VCV002429585.1), dbSNP rs1787150132, ClinGen allele CA367309360.